The following is an entry in ClinVar:

NM_000126.4(ETFA):c.40-269_40-266del

Gene: ETFA (electron transfer flavoprotein subunit alpha; minus strand). Cytogenetic location: 15q24.2.
Variant type: Deletion.
Coding change: c.40-269_40-266del on transcript NM_000126.4 (MANE Select); 269 bases into the intron before coding-DNA position 40 through 266 bases into the intron before coding-DNA position 40, 4 bases deleted (ACGC; older notation c.40-269_40-266delACGC).
Molecular consequence: intron variant.
Genome position (GRCh38, 1-based): chr15:76,296,003-76,296,006, GCGT deleted on the plus strand (ACGC on the coding strand, the reverse complement: ETFA is on the minus strand); deleting any 4 consecutive bases within chr15:76,296,003-76,296,009 gives the same sequence; the c. name uses the placement nearest the transcript's 3' end. VCF-style (leftmost placement, unchanged base first): chr15-76296002-CGCGT-C. GRCh37 (hg19) VCF-style: chr15-76588343-CGCGT-C.
Other names: c.40-3306_40-3303del (NM_001127716.2).
Identifiers: ClinVar variation 683822 (VCV000683822.1), dbSNP rs199862952, ClinGen allele CA273700534.

ClinVar aggregate classification (germline): Benign (1 of 4 stars; one submission).

Submission:

GeneDx
Classification: Benign. Last evaluated: 2018-06-14. Review status: criteria provided, single submitter. Criteria: GeneDx Variant Classification (06012015). Collection method: clinical testing. Allele origin: germline. Affected: yes.
Comment: This variant is considered likely benign or benign based on one or more of the following criteria: it is a conservative change, it occurs at a poorly conserved position in the protein, it is predicted to be benign by multiple in silico algorithms, and/or has population frequency not consistent with disease.